The following is an entry in ClinVar:

ClinVar aggregate classification (germline): Uncertain significance. Review status: criteria provided, multiple submitters, no conflicts (2 of 4 stars). 2 submissions from 2 submitters: Uncertain significance (2). Last evaluated 2025-11-30.

Conditions:
Multiple endocrine neoplasia, type 1 (MEN1). Also called: MEA I; MEN I; WERMER SYNDROME; Endocrine adenomatosis multiple; MEN 1. Identifiers: Orphanet 652, MedGen C0025267, MeSH D018761, MONDO:0007540, OMIM 131100.
Hereditary cancer-predisposing syndrome. Also called: Neoplastic Syndromes, Hereditary; Hereditary Cancer Syndrome; Hereditary neoplastic syndrome; Tumor predisposition. Identifiers: Orphanet 140162, MedGen C0027672, MeSH D009386, MONDO:0015356.

Submissions (2):

Labcorp Genetics (formerly Invitae), Labcorp
Classification: Uncertain significance for Multiple endocrine neoplasia, type 1. Last evaluated: 2025-11-30. Review status: criteria provided, single submitter. Criteria: Invitae Variant Classification Sherloc (09022015). Collection method: clinical testing. Allele origin: germline.
Comment: This sequence change replaces serine, which is neutral and polar, with leucine, which is neutral and non-polar, at codon 543 of the MEN1 protein (p.Ser543Leu). This variant is not present in population databases (gnomAD no frequency). This variant has not been reported in the literature in individuals affected with MEN1-related conditions. ClinVar contains an entry for this variant (Variation ID: 643023). Invitae Evidence Modeling of protein sequence and biophysical properties (such as structural, functional, and spatial information, amino acid conservation, physicochemical variation, residue mobility, and thermodynamic stability) indicates that this missense variant is not expected to disrupt MEN1 protein function with a negative predictive value of 95%. In summary, the available evidence is currently insufficient to determine the role of this variant in disease. Therefore, it has been classified as a Variant of Uncertain Significance.

Ambry Genetics
Classification: Uncertain significance for Hereditary cancer-predisposing syndrome. Last evaluated: 2025-04-10. Review status: criteria provided, single submitter. Criteria: Ambry Variant Classification Scheme 2023. Collection method: clinical testing. Allele origin: germline.
Comment: The p.S543L variant (also known as c.1628C>T), located in coding exon 9 of the MEN1 gene, results from a C to T substitution at nucleotide position 1628. The serine at codon 543 is replaced by leucine, an amino acid with dissimilar properties. This amino acid position is highly conserved in available vertebrate species. In addition, the in silico prediction for this alteration is inconclusive. Based on the available evidence, the clinical significance of this variant remains unclear.

NM_001370259.2(MEN1):c.1628C>T (p.Ser543Leu)

Gene: MEN1 (menin 1; minus strand). Cytogenetic location: 11q13.1.
Variant type: single nucleotide variant.
Coding change: c.1628C>T on transcript NM_001370259.2 (MANE Select); coding-DNA position 1628, C replaced by T.
Protein change: p.Ser543Leu; replaces serine 543 with leucine.
Molecular consequence: missense variant.
Genome position (GRCh38, 1-based): chr11:64,804,539, G>A on the plus strand (C>T on the coding strand, the complement: MEN1 is on the minus strand). VCF-style: chr11-64804539-G-A. GRCh37 (hg19) VCF-style: chr11-64572011-G-A.
Other names: c.1628C>T, p.Ser543Leu (NM_130799.3, NM_001370260.2, NM_001370261.2); c.1643C>T, p.Ser548Leu (NM_130800.3, NM_130801.3, NM_130802.3 and 3 more transcripts); c.1754C>T, p.Ser585Leu (NM_001370251.2); c.1523C>T, p.Ser508Leu (NM_001370262.2, NM_001370263.2); short protein forms S508L, S543L, S585L, S548L.
Identifiers: ClinVar variation 643023 (VCV000643023.11), dbSNP rs1592630661, ClinGen allele CA381178010.